The following is an entry in ClinVar:

NM_000059.4(BRCA2):c.1526del (p.Arg509fs)

Gene: BRCA2 (BRCA2 DNA repair associated; plus strand). Cytogenetic location: 13q13.1.
Variant type: Deletion.
Coding change: c.1526del on transcript NM_000059.4 (MANE Select); coding-DNA position 1526, one base deleted (G; older notation c.1526delG).
Protein change: p.Arg509fs; shifts the reading frame from arginine 509.
Molecular consequence: frameshift variant.
Genome position (GRCh38, 1-based): chr13:32,333,004, G deleted. VCF-style (leftmost placement, unchanged base first): chr13-32333003-AG-A. GRCh37 (hg19) VCF-style: chr13-32907140-AG-A.
Other names: short protein forms R509fs.
Identifiers: ClinVar variation 1452712 (VCV001452712.6), dbSNP rs2137472353, ClinGen allele CA2573149276.

ClinVar aggregate classification (germline): Pathogenic (1 of 4 stars; one submission).

Conditions:
Hereditary breast ovarian cancer syndrome. Also called: Hereditary breast and ovarian cancer; Hereditary breast and ovarian cancer syndrome (HBOC); Breast and ovarian cancer; Hereditary breast and ovarian cancer syndrome; Hereditary breast and/or ovarian cancer syndrome; BRCA1- and BRCA2-Associated Hereditary Breast and Ovarian Cancer. Identifiers: Orphanet 145, MedGen C0677776, MeSH D061325, MONDO:0003582. Disease mechanism: loss of function.

Submission:

Labcorp Genetics (formerly Invitae), Labcorp
Classification: Pathogenic for Hereditary breast ovarian cancer syndrome. Last evaluated: 2021-09-24. Review status: criteria provided, single submitter. Criteria: Invitae Variant Classification Sherloc (09022015). Collection method: clinical testing. Allele origin: germline.
Comment: This sequence change creates a premature translational stop signal (p.Arg509Lysfs*16) in the BRCA2 gene. It is expected to result in an absent or disrupted protein product. Loss-of-function variants in BRCA2 are known to be pathogenic (PMID: 20104584). This variant is not present in population databases (ExAC no frequency). This variant has not been reported in the literature in individuals affected with BRCA2-related conditions. For these reasons, this variant has been classified as Pathogenic.

Literature cited by the submitters: PubMed 20104584.